The following is an entry in ClinVar:

NM_005142.3(CBLIF):c.1163T>C (p.Phe388Ser)

Gene: CBLIF (cobalamin binding intrinsic factor; minus strand). Cytogenetic location: 11q12.1.
Variant type: single nucleotide variant.
Coding change: c.1163T>C on transcript NM_005142.3 (MANE Select); coding-DNA position 1163, T replaced by C.
Protein change: p.Phe388Ser; replaces phenylalanine 388 with serine.
Molecular consequence: missense variant.
Genome position (GRCh38, 1-based): chr11:59,831,707, A>G on the plus strand (T>C on the coding strand, the complement: CBLIF is on the minus strand). VCF-style: chr11-59831707-A-G. GRCh37 (hg19) VCF-style: chr11-59599180-A-G.
Other names: short protein forms F388S.
Identifiers: ClinVar variation 574163 (VCV000574163.6), dbSNP rs767310648, ClinGen allele CA6021368.

ClinVar aggregate classification (germline): Conflicting classifications of pathogenicity. Review status: criteria provided, conflicting classifications (1 of 4 stars). 2 submissions from 2 submitters: Likely pathogenic (1); Uncertain significance (1). Last evaluated 2026-01-12.

Conditions:
Hereditary intrinsic factor deficiency (IFD). Also called: PERNICIOUS ANEMIA, CONGENITAL, DUE TO DEFECT OF INTRINSIC FACTOR; Congenital intrinsic factor deficiency. Identifiers: Orphanet 332, MedGen C2062370, MONDO:0009852, OMIM 261000.

Allele frequency attached by ClinVar (database versions not stated): gnomAD exomes below 0.00001 and 0.00002; ExAC 0.00001; gnomAD 0.00002; TOPMed 0.00002.

Submissions (2):

Labcorp Genetics (formerly Invitae), Labcorp
Classification: Likely pathogenic for Hereditary intrinsic factor deficiency. Last evaluated: 2026-01-12. Review status: criteria provided, single submitter. Criteria: Invitae Variant Classification Sherloc (09022015). Collection method: clinical testing. Allele origin: germline.
Comment: This sequence change replaces phenylalanine, which is neutral and non-polar, with serine, which is neutral and polar, at codon 388 of the GIF protein (p.Phe388Ser). This variant is present in population databases (rs767310648, gnomAD 0.0009%). This missense change has been observed in individual(s) with GIF-related conditions (internal data). In at least one individual the data is consistent with being in trans (on the opposite chromosome) from a pathogenic variant. ClinVar contains an entry for this variant (Variation ID: 574163). Invitae Evidence Modeling of protein sequence and biophysical properties (such as structural, functional, and spatial information, amino acid conservation, physicochemical variation, residue mobility, and thermodynamic stability) indicates that this missense variant is expected to disrupt GIF protein function with a positive predictive value of 80%. In summary, the currently available evidence indicates that the variant is pathogenic, but additional data are needed to prove that conclusively. Therefore, this variant has been classified as Likely Pathogenic.

Ambry Genetics
Classification: Uncertain significance. Last evaluated: 2024-04-12. Review status: criteria provided, single submitter. Criteria: Ambry Variant Classification Scheme 2023. Collection method: clinical testing. Allele origin: germline.